The following is an entry in ClinVar:

ClinVar aggregate classification (germline): Conflicting classifications of pathogenicity. Review status: criteria provided, conflicting classifications (1 of 4 stars). 28 submissions from 27 submitters: Uncertain significance (16); Benign (2); Likely benign (9). 1 of the submissions does not count toward it. Last evaluated 2026-06-01.

Conditions:
ATM-related disorder. Also called: ATM-related disorders; ATM-related condition.
Breast and/or ovarian cancer. Identifiers: MedGen CN221562.
Familial cancer of breast. Also called: Hereditary breast cancer; hereditary breast carcinoma; BREAST CANCER, FAMILIAL. Identifiers: Orphanet 227535, MedGen C0346153, MONDO:0016419, OMIM 114480. Disease mechanism: loss of function.
Ataxia-telangiectasia syndrome (AT). Also called: LOUIS-BAR SYNDROME; Ataxia-telangiectasia; Ataxia telangiectasia (A-T); Cerebello-oculocutaneous telangiectasia; Immunodeficiency with ataxia telangiectasia; Ataxia-telangiectasia, complementation group D. Identifiers: Orphanet 100, MedGen C0004135, MONDO:0008840, OMIM 208900.
Hereditary cancer-predisposing syndrome. Also called: Tumor predisposition; Hereditary neoplastic syndrome; Neoplastic Syndromes, Hereditary; Hereditary Cancer Syndrome. Identifiers: Orphanet 140162, MedGen C0027672, MeSH D009386, MONDO:0015356.
Hereditary breast ovarian cancer syndrome. Also called: Hereditary breast and ovarian cancer syndrome (HBOC); Hereditary breast and ovarian cancer; Hereditary breast and ovarian cancer syndrome; Breast and ovarian cancer; Hereditary breast and/or ovarian cancer syndrome; BRCA1- and BRCA2-Associated Hereditary Breast and Ovarian Cancer. Identifiers: Orphanet 145, MedGen C0677776, MeSH D061325, MONDO:0003582. Disease mechanism: loss of function.
Malignant tumor of breast. Also called: Malignant breast neoplasm; Cancer breast. Identifiers: MedGen C0006142, MONDO:0007254. Disease mechanism: loss of function.

Allele frequency attached by ClinVar (database versions not stated): ESP Exome Variant Server 0.00015; TOPMed 0.00021; gnomAD 0.00027 and 0.00029; gnomAD exomes 0.00033 and 0.00041; ExAC 0.00043.
gnomAD v4.1: 631 of 1,613,474 alleles (0.039%); highest among the groups gnomAD compares: Non-Finnish European, 0.051%; no homozygotes.

Submissions 1 to 14 of 28:

CeGaT Center for Human Genetics Tuebingen
Classification: Likely benign. Last evaluated: 2026-06-01. Review status: criteria provided, single submitter. Criteria: CeGaT Center For Human Genetics Tuebingen Variant Classification Criteria Version 2. Collection method: clinical testing. Allele origin: germline. Affected: yes. Observed: 3 variant alleles.
Comment: ATM: PP3, BP1, BS1:Supporting

PreventionGenetics, part of Exact Sciences
Classification: Likely benign for ATM-related condition. Last evaluated: 2026-02-12. Review status: criteria provided, single submitter. Criteria: ACMG Guidelines, 2015. Collection method: clinical testing. Allele origin: germline.
Comment: This variant is classified as likely benign based on ACMG/AMP sequence variant interpretation guidelines (Richards et al. 2015 PMID: 25741868, with internal and published modifications).

Labcorp Genetics (formerly Invitae), Labcorp
Classification: Benign for Ataxia-telangiectasia syndrome. Last evaluated: 2026-02-02. Review status: criteria provided, single submitter. Criteria: Invitae Variant Classification Sherloc (09022015). Collection method: clinical testing. Allele origin: germline.

Women's Health and Genetics/Laboratory Corporation of America, LabCorp
Classification: Likely benign. Last evaluated: 2025-08-12. Review status: criteria provided, single submitter. Criteria: LabCorp Variant Classification Summary - May 2015. Collection method: clinical testing. Allele origin: germline.
Comment: Variant summary: ATM c.4324T>C (p.Tyr1442His) results in a conservative amino acid change in the encoded protein sequence. Algorithms developed to predict the effect of missense changes on protein structure and function are either unavailable or do not agree on the potential impact of this missense change. The variant allele was found at a frequency of 0.00063 in 304329 control chromosomes. This frequency is not significantly higher than estimated for a pathogenic variant in ATM causing Ataxia-telangiectasia syndrome (0.00063 vs 0.0035), allowing no conclusion about variant significance. However, 4 individuals greater than 70 years of age with no personal history of cancer have been reported to carry this variant (FLOSSIES database) and a recent case-control study showed that this variant had higher allele frequency in controls than in cases (Dorling_2021), suggesting this variant is benign. c.4324T>C has been observed in numerous individual(s) affected with breast cancer (example, Bernstein_2010, Broeks_2008, Edvardsen_2007, Goldgar_2011), without strong evidence for causality. These report(s) do not provide unequivocal conclusions about association of the variant with ATM-related conditions. To our knowledge, no experimental evidence has been reported. The following publications have been ascertained in the context of this evaluation (PMID: 20305132, 17393301, 33471991, 17623063, 30303537, 21787400, 25479140, 20346647, 31882575, 22420423, 27153395, 27067391, 36029002, 30426508, 19781682, 26976419). ClinVar contains an entry for this variant (Variation ID: 127385). Based on the evidence outlined above, the variant was classified as likely benign.

Molecular Pathology, Peter Maccallum Cancer Centre
Classification: Uncertain significance for Ataxia-telangiectasia syndrome. Last evaluated: 2025-03-31. Review status: criteria provided, single submitter. Criteria: ACMG Guidelines, 2015. Collection method: clinical testing. Allele origin: germline. Inheritance: Autosomal recessive inheritance.

Center for Genomic Medicine, Rigshospitalet, Copenhagen University Hospital
Classification: Uncertain significance. Last evaluated: 2025-03-04. Review status: criteria provided, single submitter. Criteria: ACMG Guidelines, 2015. Collection method: clinical testing. Allele origin: germline.

ARUP Laboratories, Molecular Genetics and Genomics, ARUP Laboratories
Classification: Likely benign. Last evaluated: 2024-12-26. Review status: criteria provided, single submitter. Criteria: ARUP Molecular Germline Variant Investigation Process 2024. Collection method: clinical testing. Allele origin: germline.

Blueprint Genetics
Classification: Likely benign. Last evaluated: 2024-10-29. Review status: criteria provided, single submitter. Criteria: ACMG Guidelines, 2015. Collection method: clinical testing. Allele origin: germline.

Color Diagnostics, LLC DBA Color Health
Classification: Likely benign for Hereditary cancer-predisposing syndrome. Last evaluated: 2024-10-10. Review status: criteria provided, single submitter. Criteria: ACMG Guidelines, 2015. Collection method: clinical testing. Allele origin: germline.

GeneDx
Classification: Uncertain significance. Last evaluated: 2024-08-11. Review status: criteria provided, single submitter. Criteria: GeneDx Variant Classification Process June 2021. Collection method: clinical testing. Allele origin: germline. Affected: yes.
Comment: Observed in individuals with leukemia, breast, ovarian, and/or colorectal cancer, but also in unaffected controls (PMID: 17393301, 19781682, 22420423, 26689913, 27153395, 26976419, 28779002, 28652578, 29684080, 31882575); In silico analysis supports that this missense variant has a deleterious effect on protein structure/function; This variant is associated with the following publications: (PMID: 22420423, 26976419, 20346647, 17393301, 34326862, 19781682, 26420498, 24172824, 21787400, 26689913, 27153395, 27067391, 25479140, 20305132, 17623063, 28652578, 29684080, 30166531, 30197789, 30303537, 31882575, 33471991, 33359728, 28779002, 36029002, 30426508, 23555315, 34262154)

Athena Diagnostics
Classification: Likely benign. Last evaluated: 2024-08-01. Review status: criteria provided, single submitter. Criteria: Athena Diagnostics Criteria. Collection method: clinical testing. Allele origin: unknown.

St. Jude Molecular Pathology, St. Jude Children's Research Hospital
Classification: Uncertain significance for Familial cancer of breast. Last evaluated: 2024-06-27. Review status: criteria provided, single submitter. Criteria: St. Jude Assertion Criteria 2020. Collection method: clinical testing. Allele origin: germline.
Comment: The ATM c.4324T>C (p.Tyr1442His) missense change has a maximum frequency of 0.060% in gnomAD v2.1.1. The in silico tool REVEL is inconclusive about a pathogenic or benign effect of this variant on protein function, and to our knowledge functional studies have not been performed. This variant has been reported in individuals with breast cancer (PMID: 17393301, 17623063, 19781682, 20346647, 22420423, 25186627, 26976419, 28779002, 29522266, 30303537, 31882575, 32885271, 34445631), Ewing sarcoma (PMID: 33332384), high grade glioma (PMID: 26580448), pancreatic cancer (PMID: 25479140), colorectal cancer (PMID: 29338072, 30166531), and chronic lymphocytic leukemia (PMID: 24172824, 28652578). Other studies have observed this variant in relatively equal numbers of cases and controls (PMID: 19781682, 28652578, 30303537). In addition, four individuals with this variant are reported in a database of women older than 70 years of age who have never had cancer (FLOSSIES database). In summary, the evidence currently available is insufficient to determine the clinical significance of this variant. It has therefore been classified as of uncertain significance.

Myriad Genetics, Inc.
Classification: Likely benign for Familial cancer of breast. Last evaluated: 2024-05-17. Review status: criteria provided, single submitter. Criteria: Myriad Autosomal Dominant, Autosomal Recessive and X-Linked Classification Criteria (2023). Collection method: clinical testing. Allele origin: unknown.
Comment: This variant is considered likely benign. This variant is strongly associated with less severe personal and family histories of cancer, typical for individuals without pathogenic variants in this gene [PMID: 25085752].

German Consortium for Hereditary Breast and Ovarian Cancer, University Hospital Cologne
Classification: Uncertain significance for Hereditary breast ovarian cancer syndrome. Last evaluated: 2023-11-14. Review status: criteria provided, single submitter. Criteria: ACMG Guidelines, 2015. Collection method: curation. Allele origin: germline.
Comment: PP3, BS1. According to the ACMG standard criteria we chose these criteria: PP3 (supporting pathogenic): REVEL:0.733, BS1 (strong benign): Filtering Allele Frequency >.05%.

NM_000051.4(ATM):c.4324T>C (p.Tyr1442His)

Gene: ATM (ATM serine/threonine kinase; plus strand). Cytogenetic location: 11q22.3.
Variant type: single nucleotide variant.
Coding change: c.4324T>C on transcript NM_000051.4 (MANE Select); coding-DNA position 4324, T replaced by C.
Protein change: p.Tyr1442His; replaces tyrosine 1442 with histidine.
Molecular consequence: missense variant.
Genome position (GRCh38, 1-based): chr11:108,289,689, T>C. VCF-style: chr11-108289689-T-C. GRCh37 (hg19) VCF-style: chr11-108160416-T-C.
Other names: p.Y1442H:TAT>CAT; c.4324T>C, p.Tyr1442His (NM_001351834.2); short protein forms Y1442H.
Identifiers: ClinVar variation 127385 (VCV000127385.109), dbSNP rs201666889, ClinGen allele CA286840.
Genomic context (GRCh38, chr11:108,289,689, plus strand): 5'-ATATGTGAGCAAGCAGCTGAAACAAATAATGTTTATAAGAAGCACAGAATTCTTAAAATA[T>C]ATCACCTGTTTGTTAGTTTATTACTGAAAGATATAAAAAGTGGCTTAGGAGGAGCTTGGG-3'
Protein context (NP_000042.3, residues 1432-1452): VYKKHRILKI[Tyr1442His]HLFVSLLLKD